The following is an entry in ClinVar:

ClinVar aggregate classification (germline): Uncertain significance (1 of 4 stars; one submission).

Conditions:
Hypertrophic cardiomyopathy. Also called: HYPERTROPHIC MYOCARDIOPATHY. Identifiers: Orphanet 217569, MedGen C0007194, MeSH D002312, MONDO:0005045, HP:0001639.

Submission:

Labcorp Genetics (formerly Invitae), Labcorp
Classification: Uncertain significance for Hypertrophic cardiomyopathy. Last evaluated: 2025-07-09. Review status: criteria provided, single submitter. Criteria: Invitae Variant Classification Sherloc (09022015). Collection method: clinical testing. Allele origin: germline.
Comment: This sequence change creates a premature translational stop signal (p.Gln1654*) in the MYH7 gene. It is expected to result in an absent or disrupted protein product. However, the current clinical and genetic evidence is not sufficient to establish whether loss-of-function variants in MYH7 cause disease. This variant is not present in population databases (gnomAD no frequency). This variant has not been reported in the literature in individuals affected with MYH7-related conditions. ClinVar contains an entry for this variant (Variation ID: 850843). In summary, the available evidence is currently insufficient to determine the role of this variant in disease. Therefore, it has been classified as a Variant of Uncertain Significance.

NM_000257.4(MYH7):c.4960C>T (p.Gln1654Ter)

Genes: MHRT (myosin heavy chain associated RNA transcript; plus strand), MYH7 (myosin heavy chain 7; minus strand), LOC126861897 (BRD4-independent group 4 enhancer GRCh37_chr14:23884455-23885654; plus strand). Cytogenetic location: 14q11.2.
Variant type: single nucleotide variant.
Coding change: c.4960C>T on transcript NM_000257.4 (MANE Select); coding-DNA position 4960, C replaced by T.
Protein change: p.Gln1654Ter; replaces glutamine 1654 with a stop codon.
Molecular consequence: nonsense. On other transcripts: non-coding transcript variant (1).
Genome position (GRCh38, 1-based): chr14:23,415,826, G>A on the plus strand (C>T on the coding strand, the complement: MYH7 is on the minus strand). VCF-style: chr14-23415826-G-A. GRCh37 (hg19) VCF-style: chr14-23885035-G-A.
Other names: short protein forms Q1654*.
Identifiers: ClinVar variation 850843 (VCV000850843.8), dbSNP rs1892178080, ClinGen allele CA389037247.